The following is an entry in ClinVar:

ClinVar aggregate classification (germline): Uncertain significance. Review status: criteria provided, multiple submitters, no conflicts (2 of 4 stars). 2 submissions from 2 submitters: Uncertain significance (2). Last evaluated 2025-07-16.

Conditions:
Glycogen storage disease, type II (IOPD). Also called: CARDIOMEGALIA GLYCOGENICA DIFFUSA; Glucosidase acid-1,4-alpha deficiency; Pompe Disease; POMPE DISEASE, INFANTILE-ONSET; GLYCOGEN STORAGE DISEASE II, INFANTILE-ONSET; ACID ALPHA-GLUCOSIDASE DEFICIENCY, INFANTILE-ONSET. Identifiers: Orphanet 365, MedGen C0017921, MONDO:0009290, OMIM 232300.

Allele frequency attached by ClinVar (database versions not stated): TOPMed below 0.00001.

Submissions (2):

Revvity Omics, Revvity
Classification: Uncertain significance. Last evaluated: 2025-07-16. Review status: criteria provided, single submitter. Criteria: ACMG Guidelines, 2015. Collection method: clinical testing. Allele origin: germline.

Labcorp Genetics (formerly Invitae), Labcorp
Classification: Uncertain significance for Glycogen storage disease, type II. Last evaluated: 2024-09-03. Review status: criteria provided, single submitter. Criteria: Invitae Variant Classification Sherloc (09022015). Collection method: clinical testing. Allele origin: germline.
Comment: This sequence change replaces glutamine, which is neutral and polar, with proline, which is neutral and non-polar, at codon 914 of the GAA protein (p.Gln914Pro). This variant is not present in population databases (gnomAD no frequency). This variant has not been reported in the literature in individuals affected with GAA-related conditions. ClinVar contains an entry for this variant (Variation ID: 1717582). Invitae Evidence Modeling of protein sequence and biophysical properties (such as structural, functional, and spatial information, amino acid conservation, physicochemical variation, residue mobility, and thermodynamic stability) indicates that this missense variant is not expected to disrupt GAA protein function with a negative predictive value of 95%. In summary, the available evidence is currently insufficient to determine the role of this variant in disease. Therefore, it has been classified as a Variant of Uncertain Significance.

NM_000152.5(GAA):c.2741A>C (p.Gln914Pro)

Gene: GAA (alpha glucosidase; plus strand). Cytogenetic location: 17q25.3.
Variant type: single nucleotide variant.
Coding change: c.2741A>C on transcript NM_000152.5 (MANE Select); coding-DNA position 2741, A replaced by C.
Protein change: p.Gln914Pro; replaces glutamine 914 with proline.
Molecular consequence: missense variant.
Genome position (GRCh38, 1-based): chr17:80,118,747, A>C. VCF-style: chr17-80118747-A-C. GRCh37 (hg19) VCF-style: chr17-78092546-A-C.
Other names: c.2741A>C, p.Gln914Pro (NM_001079803.3, NM_001079804.3, NM_001406741.1 and 1 more transcripts); short protein forms Q914P.
Identifiers: ClinVar variation 1717582 (VCV001717582.7), dbSNP rs1242967806, ClinGen allele CA401327122.